The following is an entry in ClinVar:

ClinVar aggregate classification (germline): Uncertain significance (1 of 4 stars; one submission).

Conditions:
DNA ligase IV deficiency. Identifiers: Orphanet 99812, MedGen C1847827, MONDO:0011686, OMIM 606593.

Allele frequency attached by ClinVar (database versions not stated): gnomAD 0.00001; gnomAD exomes 0.00001; TOPMed 0.00002.
gnomAD v4.1: 14 of 1,613,976 alleles (0.00087%); highest among the groups gnomAD compares: Non-Finnish European, 0.0012%; no homozygotes.

Submission:

Labcorp Genetics (formerly Invitae), Labcorp
Classification: Uncertain significance for DNA ligase IV deficiency. Last evaluated: 2021-11-01. Review status: criteria provided, single submitter. Criteria: Invitae Variant Classification Sherloc (09022015). Collection method: clinical testing. Allele origin: germline.
Comment: This sequence change replaces proline, which is neutral and non-polar, with leucine, which is neutral and non-polar, at codon 737 of the LIG4 protein (p.Pro737Leu). This variant is present in population databases (rs745416356, gnomAD 0.002%). This variant has not been reported in the literature in individuals affected with LIG4-related conditions. ClinVar contains an entry for this variant (Variation ID: 849866). Algorithms developed to predict the effect of missense changes on protein structure and function (SIFT, PolyPhen-2, Align-GVGD) all suggest that this variant is likely to be tolerated. In summary, the available evidence is currently insufficient to determine the role of this variant in disease. Therefore, it has been classified as a Variant of Uncertain Significance.

NM_206937.2(LIG4):c.2210C>T (p.Pro737Leu)

Gene: LIG4 (DNA ligase 4; minus strand). Cytogenetic location: 13q33.3.
Variant type: single nucleotide variant.
Coding change: c.2210C>T on transcript NM_206937.2 (MANE Select); coding-DNA position 2210, C replaced by T.
Protein change: p.Pro737Leu; replaces proline 737 with leucine.
Molecular consequence: missense variant.
Genome position (GRCh38, 1-based): chr13:108,209,059, G>A on the plus strand (C>T on the coding strand, the complement: LIG4 is on the minus strand). VCF-style: chr13-108209059-G-A. GRCh37 (hg19) VCF-style: chr13-108861407-G-A.
Other names: c.2210C>T, p.Pro737Leu (NM_001098268.2, NM_001352598.2, NM_001352599.2 and 6 more transcripts); c.2009C>T, p.Pro670Leu (NM_001330595.2); c.2246C>T, p.Pro749Leu (NM_001352604.2); short protein forms P737L, P670L, P749L.
Identifiers: ClinVar variation 849866 (VCV000849866.5), dbSNP rs745416356, ClinGen allele CA256179928.